The following continues an entry in ClinVar:

NM_004004.6(GJB2):c.-23+1G>A

Gene: GJB2. ClinVar aggregate classification (germline): Pathogenic/Likely pathogenic. Pathogenic (40); Likely pathogenic (1).

Submissions 41 to 49 of 49:

Lifecell International Pvt. Ltd
Classification: Pathogenic for Autosomal dominant nonsyndromic hearing loss 3A. Review status: criteria provided, single submitter. Criteria: ACMG Guidelines, 2015. Collection method: clinical testing. Allele origin: germline. Inheritance: Autosomal dominant inheritance. Affected: yes. Observed: 1 heterozygote.
Comment: A Heterozygous Splice site donor variant c.-23+1G>A in Exon 1 of the GJB2 gene that results in the amino acid substitution was identified. The observed variant has a maximum allele frequency is novel in gnomAD exomes and 0.00019% in genomes, respectively. The severity of the impact of this variant on the protein is high, based on the effect of the protein and REVEL score . Rare Exome Variant Ensemble Learner (REVEL) is an ensembl method for predicting the pathogenicity of missense variants based on a combination of scores from 13 individual tools: MutPred, FATHMM v2.3, VEST 3.0, PolyPhen-2, SIFT, PROVEAN, MutationAssessor, MutationTaster, LRT, GERP++, SiPhy, phyloP, and phastCons. The REVEL score for an individual missense variant can range from 0 to 1, with higher scores reflecting greater likelihood that the variant is disease-causing. ClinVar has also classified this variant as Pathogenic [Variation ID: 17029]. The literature have been suggesting that, heterozygosity for a GJB2 or GJB6 mutation connotes carrier status for NSHL and rarely can cause autosomal dominant hearing loss by Vassos Neocleous et al., 2014. For these reasons, this variant has been classified as Pathogenic.

Genetic Testing Center for Deafness, Department of Otolaryngology Head & Neck Surgery, Institute of Otolaryngology, Chinese PLA General Hospital
Classification: Pathogenic for Autosomal recessive nonsyndromic hearing loss 1A. Last evaluated: 2019-02-26. Review status: no assertion criteria provided. Collection method: case-control. Allele origin: inherited. Affected: yes. Observed: 4 variant alleles. Clinical features observed: hearing loss. Not counted in ClinVar's aggregate classification.

Clinical Molecular Genetics Laboratory, Johns Hopkins All Children's Hospital
Classification: Pathogenic for Hearing loss. Last evaluated: 2017-08-14. Review status: no assertion criteria provided. Collection method: clinical testing. Allele origin: germline. Affected: yes. Not counted in ClinVar's aggregate classification.

Knight Diagnostic Laboratories, Oregon Health and Sciences University
Classification: Pathogenic for Deafness, autosomal recessive 1A. Last evaluated: 2015-02-11. Review status: no assertion criteria provided. Criteria: ACMG Guidelines, 2015. Collection method: clinical testing. Allele origin: germline. Inheritance: Autosomal recessive inheritance. Affected: no. Not counted in ClinVar's aggregate classification.

OMIM
Classification: Pathogenic for DEAFNESS, AUTOSOMAL RECESSIVE 1A. Last evaluated: 2011-09-01. Review status: no assertion criteria provided. Collection method: literature only. Allele origin: germline. Not counted in ClinVar's aggregate classification.

GeneReviews
Classification: Pathogenic for DFNB 1 Nonsyndromic Hearing Loss and Deafness. Last evaluated: 2011-07-14. Review status: no assertion criteria provided. Collection method: literature only. Allele origin: unknown. Not counted in ClinVar's aggregate classification.
ClinVar note: Converted during submission from pathologic to Pathogenic.

Clinical Genetics DNA and cytogenetics Diagnostics Lab, Erasmus MC, Erasmus Medical Center
Classification: Pathogenic. Review status: no assertion criteria provided. Collection method: clinical testing. Allele origin: germline. Affected: yes. Study: VKGL Data-share Consensus. Not counted in ClinVar's aggregate classification.

Joint Genome Diagnostic Labs from Nijmegen and Maastricht, Radboudumc and MUMC+
Classification: Pathogenic. Review status: no assertion criteria provided. Collection method: clinical testing. Allele origin: germline. Affected: yes. Study: VKGL Data-share Consensus. Not counted in ClinVar's aggregate classification.

University of Washington Center for Mendelian Genomics, University of Washington
Classification: Likely pathogenic for non-syndromic autosomal recessive hearing loss. Review status: no assertion criteria provided. Collection method: research. Allele origin: inherited. Affected: yes. Not counted in ClinVar's aggregate classification.

Literature cited by the submitters: PubMed 11935342 (cited by 11 submitters); PubMed 10218527 (cited by 7 submitters); PubMed 21776002 (cited by 9 submitters); PubMed 24840842 (cited by 4 submitters); PubMed 24959830 (cited by 4 submitters); PubMed 27481527 (cited by 3 submitters); PubMed 27843504 (cited by 3 submitters); PubMed 14985372 (cited by 4 submitters); PubMed 16650079 (cited by OLLIN Analises Genomicas, OLLIN and OMIM); PubMed 32708339 (cited by Victorian Clinical Genetics Services, Murdoch Childrens Research Institute); PubMed 28428247 (cited by Victorian Clinical Genetics Services, Murdoch Childrens Research Institute); PubMed 20301449 (cited by Victorian Clinical Genetics Services, Murdoch Childrens Research Institute); PubMed 37239361 (cited by Victorian Clinical Genetics Services, Murdoch Childrens Research Institute); PubMed 31160754 (cited by Victorian Clinical Genetics Services, Murdoch Childrens Research Institute); PubMed 12792423 (cited by Victorian Clinical Genetics Services, Murdoch Childrens Research Institute); PubMed 17576681 (cited by Labcorp Genetics (formerly Invitae), Labcorp); PubMed 9536098 (cited by Labcorp Genetics (formerly Invitae), Labcorp); PubMed 30344259 (cited by Natera, Inc.); PubMed 27224056 (cited by Johns Hopkins Genomics, Johns Hopkins University and Athena Diagnostics); PubMed 11493200 (cited by Laboratory for Molecular Medicine, Mass General Brigham Personalized Medicine); PubMed 11313763 (cited by Laboratory for Molecular Medicine, Mass General Brigham Personalized Medicine and INGEBI, INGEBI / CONICET); PubMed 15954104 (cited by Laboratory for Molecular Medicine, Mass General Brigham Personalized Medicine); PubMed 21122151 (cited by Laboratory for Molecular Medicine, Mass General Brigham Personalized Medicine and Women's Health and Genetics/Laboratory Corporation of America, LabCorp); PubMed 20201936 (cited by Laboratory for Molecular Medicine, Mass General Brigham Personalized Medicine); PubMed 20086291 (cited by Laboratory for Molecular Medicine, Mass General Brigham Personalized Medicine); PubMed 20022641 (cited by Laboratory for Molecular Medicine, Mass General Brigham Personalized Medicine); PubMed 19814620 (cited by Laboratory for Molecular Medicine, Mass General Brigham Personalized Medicine and Athena Diagnostics); PubMed 17406097 (cited by Laboratory for Molecular Medicine, Mass General Brigham Personalized Medicine and Women's Health and Genetics/Laboratory Corporation of America, LabCorp); PubMed 16712961 (cited by Laboratory for Molecular Medicine, Mass General Brigham Personalized Medicine); PubMed 25012701 (cited by Laboratory for Molecular Medicine, Mass General Brigham Personalized Medicine and Athena Diagnostics); PubMed 22000900 (cited by Laboratory for Molecular Medicine, Mass General Brigham Personalized Medicine); PubMed 24529908 (cited by Laboratory for Molecular Medicine, Mass General Brigham Personalized Medicine); PubMed 25288386 (cited by Laboratory for Molecular Medicine, Mass General Brigham Personalized Medicine); PubMed 25555641 (cited by Laboratory for Molecular Medicine, Mass General Brigham Personalized Medicine); PubMed 22281373 (cited by Laboratory for Molecular Medicine, Mass General Brigham Personalized Medicine); PubMed 23680645 (cited by Laboratory for Molecular Medicine, Mass General Brigham Personalized Medicine); PubMed 22567369 (cited by Laboratory for Molecular Medicine, Mass General Brigham Personalized Medicine and Athena Diagnostics); PubMed 27177978 (cited by Athena Diagnostics); PubMed 24793888 (cited by Athena Diagnostics); PubMed 31346875 (cited by Athena Diagnostics and Department of Otolaryngology – Head & Neck Surgery, Cochlear Implant Center); PubMed 16380907 (cited by INGEBI, INGEBI / CONICET and Women's Health and Genetics/Laboratory Corporation of America, LabCorp); PubMed 17935238 (cited by Women's Health and Genetics/Laboratory Corporation of America, LabCorp); PubMed 12746422 (cited by Women's Health and Genetics/Laboratory Corporation of America, LabCorp); PubMed 26096904 (cited by Women's Health and Genetics/Laboratory Corporation of America, LabCorp); PubMed 10376574 (cited by Women's Health and Genetics/Laboratory Corporation of America, LabCorp); PubMed 12176036 (cited by Women's Health and Genetics/Laboratory Corporation of America, LabCorp); PubMed 16840571 (cited by Women's Health and Genetics/Laboratory Corporation of America, LabCorp); PubMed 25189242 (cited by Lifecell International Pvt. Ltd); PubMed 11807148 (cited by OMIM); PubMed 30303587 (cited by University of Washington Center for Mendelian Genomics, University of Washington).